The following is an entry in ClinVar:

NM_025215.6(PUS1):c.1207G>A (p.Ala403Thr)

Gene: PUS1 (pseudouridine synthase 1; plus strand). Cytogenetic location: 12q24.33.
Variant type: single nucleotide variant.
Coding change: c.1207G>A on transcript NM_025215.6 (MANE Select); coding-DNA position 1207, G replaced by A.
Protein change: p.Ala403Thr; replaces alanine 403 with threonine.
Molecular consequence: missense variant.
Genome position (GRCh38, 1-based): chr12:131,941,954, G>A. VCF-style: chr12-131941954-G-A. GRCh37 (hg19) VCF-style: chr12-132426499-G-A.
Other names: c.1123G>A, p.Ala375Thr (NM_001002019.3, NM_001002020.3); c.1207G>A (NM_025215.5); short protein forms A375T, A403T.
Identifiers: ClinVar variation 2202238 (VCV002202238.2), dbSNP rs771486572, ClinGen allele CA6884349.
Genomic context (GRCh38, chr12:131,941,954, plus strand): 5'-GACGAACGCTCCATGGCCCAGTGGCTGAGCACCTTGCCCATCCACAACTTCAGTGCCACC[G>A]CTCTCACGGCAGGTGGCACGGGCGCCAAGGTAGGGGCACAGTCCCAGCAGTGCTCAGCAG-3'
Protein context (NP_079491.2, residues 393-413): TLPIHNFSAT[Ala403Thr]LTAGGTGAKV

ClinVar aggregate classification (germline): Conflicting classifications of pathogenicity. Review status: criteria provided, conflicting classifications (1 of 4 stars). 2 submissions from 2 submitters: Uncertain significance (1); Likely benign (1). Last evaluated 2024-12-30.

Conditions:
Inborn genetic diseases. Identifiers: MedGen C0950123, MeSH D030342.

Allele frequency attached by ClinVar (database versions not stated): gnomAD 0.00002; TOPMed 0.00003; ExAC 0.00005.
gnomAD v4.1: 138 of 1,612,802 alleles (0.0086%); highest among the groups gnomAD compares: Middle Eastern, 0.016%; no homozygotes.

Submissions (2):

Ambry Genetics
Classification: Likely benign for Inborn genetic diseases. Last evaluated: 2024-12-30. Review status: criteria provided, single submitter. Criteria: Ambry Variant Classification Scheme 2023. Collection method: clinical testing. Allele origin: germline.

Labcorp Genetics (formerly Invitae), Labcorp
Classification: Uncertain significance. Last evaluated: 2022-08-10. Review status: criteria provided, single submitter. Criteria: Invitae Variant Classification Sherloc (09022015). Collection method: clinical testing. Allele origin: germline.
Comment: This sequence change replaces alanine, which is neutral and non-polar, with threonine, which is neutral and polar, at codon 403 of the PUS1 protein (p.Ala403Thr). This variant is present in population databases (rs771486572, gnomAD 0.01%). This variant has not been reported in the literature in individuals affected with PUS1-related conditions. Algorithms developed to predict the effect of missense changes on protein structure and function output the following: SIFT: "Tolerated"; PolyPhen-2: "Benign"; Align-GVGD: "Class C0". The threonine amino acid residue is found in multiple mammalian species, which suggests that this missense change does not adversely affect protein function. In summary, the available evidence is currently insufficient to determine the role of this variant in disease. Therefore, it has been classified as a Variant of Uncertain Significance.